The following is an entry in ClinVar:

NM_152542.5(PPM1K):c.1096G>T (p.Ala366Ser)

Gene: PPM1K (protein phosphatase, Mg2+/Mn2+ dependent 1K; minus strand). Cytogenetic location: 4q22.1.
Variant type: single nucleotide variant.
Coding change: c.1096G>T on transcript NM_152542.5 (MANE Select); coding-DNA position 1096, G replaced by T.
Protein change: p.Ala366Ser; replaces alanine 366 with serine.
Molecular consequence: missense variant.
Genome position (GRCh38, 1-based): chr4:88,262,618, C>A on the plus strand (G>T on the coding strand, the complement: PPM1K is on the minus strand). VCF-style: chr4-88262618-C-A. GRCh37 (hg19) VCF-style: chr4-89183770-C-A.
Other names: short protein forms A366S.
Identifiers: ClinVar variation 1974989 (VCV001974989.5), dbSNP rs2476555719, ClinGen allele CA357704829.

ClinVar aggregate classification (germline): Uncertain significance (1 of 4 stars; one submission).

Conditions:
Maple syrup urine disease, mild variant (MSUDMV). Identifiers: Orphanet 511, MedGen C3554575, MONDO:0014057, OMIM 615135.

Submission:

Labcorp Genetics (formerly Invitae), Labcorp
Classification: Uncertain significance for Maple syrup urine disease, mild variant. Last evaluated: 2022-06-10. Review status: criteria provided, single submitter. Criteria: Invitae Variant Classification Sherloc (09022015). Collection method: clinical testing. Allele origin: germline.
Comment: This variant has not been reported in the literature in individuals affected with PPM1K-related conditions. This variant is not present in population databases (gnomAD no frequency). This sequence change replaces alanine, which is neutral and non-polar, with serine, which is neutral and polar, at codon 366 of the PPM1K protein (p.Ala366Ser). Algorithms developed to predict the effect of missense changes on protein structure and function are either unavailable or do not agree on the potential impact of this missense change (SIFT: "Deleterious"; PolyPhen-2: "Benign"; Align-GVGD: "Class C0"). In summary, the available evidence is currently insufficient to determine the role of this variant in disease. Therefore, it has been classified as a Variant of Uncertain Significance.